The following is an entry in ClinVar:

ClinVar aggregate classification (germline): Uncertain significance. Review status: criteria provided, multiple submitters, no conflicts (2 of 4 stars). 2 submissions from 2 submitters: Uncertain significance (2). Last evaluated 2024-03-13.

Submissions (2):

Blueprint Genetics
Classification: Uncertain significance. Last evaluated: 2024-03-13. Review status: criteria provided, single submitter. Criteria: ACMG Guidelines, 2015. Collection method: clinical testing. Allele origin: germline.

Labcorp Genetics (formerly Invitae), Labcorp
Classification: Uncertain significance. Last evaluated: 2022-10-13. Review status: criteria provided, single submitter. Criteria: Invitae Variant Classification Sherloc (09022015). Collection method: clinical testing. Allele origin: germline.
Comment: This variant, c.2096_2098del, results in the deletion of 1 amino acid(s) of the PDE6C protein (p.Glu699del), but otherwise preserves the integrity of the reading frame. This variant is present in population databases (rs776444648, gnomAD 0.004%). This variant has not been reported in the literature in individuals affected with PDE6C-related conditions. Experimental studies and prediction algorithms are not available or were not evaluated, and the functional significance of this variant is currently unknown. In summary, the available evidence is currently insufficient to determine the role of this variant in disease. Therefore, it has been classified as a Variant of Uncertain Significance.

NM_006204.4(PDE6C):c.2090AAG[2] (p.Glu699del)

Gene: PDE6C (phosphodiesterase 6C; plus strand). Cytogenetic location: 10q23.33.
Variant type: Microsatellite.
Coding change: c.2090AAG[2] on transcript NM_006204.4 (MANE Select); two copies in a row of the 3-base unit AAG starting at c.2090; the reference has three copies in a row; one copy, 3 bases deleted.
Protein change: p.Glu699del; deletes glutamic acid 699.
Molecular consequence: inframe deletion.
Genome position (GRCh38, 1-based): chr10:93,658,960-93,658,962, AAG deleted; deleting any 3 consecutive bases within chr10:93,658,953-93,658,962 gives the same sequence; the position shown is the placement nearest the transcript's 3' end. VCF-style (leftmost placement, unchanged base first): chr10-93658952-GGAA-G. GRCh37 (hg19) VCF-style: chr10-95418709-GGAA-G.
Other names: short protein forms E699del.
Identifiers: ClinVar variation 1018582 (VCV001018582.6), dbSNP rs776444648, ClinGen allele CA5610396.
Genomic context (GRCh38, chr10:93,658,952, plus strand): 5'-CTTTTCTAGGAAGAGGACCATGTTTCAAAAAATTGTTGATGCCTGTGAACAAATGCAAAC[GGAA>G]GAAGAAGCCATCAAATATGTAACTGTTGATCCAACCAAGAAAGAGATTATCATGTAGGTA-3'